The following is an entry in ClinVar:

ClinVar aggregate classification (germline): Uncertain significance. Review status: criteria provided, multiple submitters, no conflicts (2 of 4 stars). 3 submissions from 3 submitters: Uncertain significance (3). Last evaluated 2023-07-13.

Conditions:
Inborn genetic diseases. Identifiers: MedGen C0950123, MeSH D030342.
Charcot-Marie-Tooth disease axonal type 2F (CMT2F). Also called: CHARCOT-MARIE-TOOTH DISEASE, NEURONAL, TYPE 2F; Charcot-Marie-Tooth Neuropathy Type 2F. Identifiers: Orphanet 99940, MedGen C1847823, MONDO:0011687, OMIM 606595.

Submissions (3):

Ambry Genetics
Classification: Uncertain significance for Inborn genetic diseases. Last evaluated: 2023-07-13. Review status: criteria provided, single submitter. Criteria: Ambry Variant Classification Scheme 2023. Collection method: clinical testing. Allele origin: germline.

Labcorp Genetics (formerly Invitae), Labcorp
Classification: Uncertain significance for Charcot-Marie-Tooth disease axonal type 2F. Last evaluated: 2022-07-26. Review status: criteria provided, single submitter. Criteria: Invitae Variant Classification Sherloc (09022015). Collection method: clinical testing. Allele origin: germline.
Comment: In summary, the available evidence is currently insufficient to determine the role of this variant in disease. Therefore, it has been classified as a Variant of Uncertain Significance. Algorithms developed to predict the effect of missense changes on protein structure and function (SIFT, PolyPhen-2, Align-GVGD) all suggest that this variant is likely to be tolerated. ClinVar contains an entry for this variant (Variation ID: 958556). This variant has not been reported in the literature in individuals affected with HSPB1-related conditions. This variant is not present in population databases (gnomAD no frequency). This sequence change replaces serine, which is neutral and polar, with isoleucine, which is neutral and non-polar, at codon 50 of the HSPB1 protein (p.Ser50Ile).

Athena Diagnostics
Classification: Uncertain significance. Last evaluated: 2021-12-17. Review status: criteria provided, single submitter. Criteria: Athena Diagnostics Criteria. Collection method: clinical testing. Allele origin: unknown.

NM_001540.5(HSPB1):c.149G>T (p.Ser50Ile)

Gene: HSPB1 (heat shock protein family B (small) member 1; plus strand). Cytogenetic location: 7q11.23.
Variant type: single nucleotide variant.
Coding change: c.149G>T on transcript NM_001540.5 (MANE Select); coding-DNA position 149, G replaced by T.
Protein change: p.Ser50Ile; replaces serine 50 with isoleucine.
Molecular consequence: missense variant.
Genome position (GRCh38, 1-based): chr7:76,302,861, G>T. VCF-style: chr7-76302861-G-T. GRCh37 (hg19) VCF-style: chr7-75932178-G-T.
Other names: short protein forms S50I.
Identifiers: ClinVar variation 958556 (VCV000958556.12), dbSNP rs1404212306, ClinGen allele CA367763003.
Genomic context (GRCh38, chr7:76,302,861, plus strand): 5'-ACCAGGCCTTCGGGCTGCCCCGGCTGCCGGAGGAGTGGTCGCAGTGGTTAGGCGGCAGCA[G>T]CTGGCCAGGCTACGTGCGCCCCCTGCCCCCCGCCGCCATCGAGAGCCCCGCAGTGGCCGC-3'
Protein context (NP_001531.1, residues 40-60): EEWSQWLGGS[Ser50Ile]WPGYVRPLPP